The following is an entry in ClinVar:

ClinVar aggregate classification (germline): Likely benign. Review status: criteria provided, multiple submitters, no conflicts (2 of 4 stars). 2 submissions from 2 submitters: Likely benign (2). Last evaluated 2026-01-03.

Conditions:
Mitochondrial trifunctional protein deficiency. Identifiers: Orphanet 746, MedGen C1969443, MONDO:0012172.
Long chain 3-hydroxyacyl-CoA dehydrogenase deficiency. Also called: Deficiency of long-chain 3-hydroxyacyl-coenzyme A dehydrogenase; LCHAD Deficiency. Identifiers: Orphanet 5, MedGen C3711645, MONDO:0012173, OMIM 609016.

Allele frequency attached by ClinVar (database versions not stated): gnomAD exomes 0.00001 and 0.00006; ExAC 0.00005; ESP Exome Variant Server 0.00015; 1000 Genomes Project 30x 0.00016; TOPMed 0.00017; gnomAD 0.00019 and 0.00021; 1000 Genomes Project 0.00020.
gnomAD v4.1: 45 of 1,537,028 alleles (0.0029%); highest among the groups gnomAD compares: African/African-American, 0.046%; no homozygotes.

Submissions (2):

Labcorp Genetics (formerly Invitae), Labcorp
Classification: Likely benign for Mitochondrial trifunctional protein deficiency; Long chain 3-hydroxyacyl-CoA dehydrogenase deficiency. Last evaluated: 2026-01-03. Review status: criteria provided, single submitter. Criteria: Invitae Variant Classification Sherloc (09022015). Collection method: clinical testing. Allele origin: germline.

GeneDx
Classification: Likely benign. Last evaluated: 2017-10-30. Review status: criteria provided, single submitter. Criteria: GeneDx Variant Classification (06012015). Collection method: clinical testing. Allele origin: germline. Affected: yes.
Comment: This variant is considered likely benign or benign based on one or more of the following criteria: it is a conservative change, it occurs at a poorly conserved position in the protein, it is predicted to be benign by multiple in silico algorithms, and/or has population frequency not consistent with disease.

NM_000182.5(HADHA):c.1621-19A>G

Genes: GAREM2 (GRB2 associated regulator of MAPK1 subtype 2; plus strand), HADHA (hydroxyacyl-CoA dehydrogenase trifunctional multienzyme complex subunit alpha; minus strand). Cytogenetic location: 2p23.3.
Variant type: single nucleotide variant.
Coding change: c.1621-19A>G on transcript NM_000182.5 (MANE Select); 19 bases into the intron before coding-DNA position 1621, A replaced by G.
Molecular consequence: intron variant.
Genome position (GRCh38, 1-based): chr2:26,194,657, T>C on the plus strand (A>G on the coding strand, the complement: HADHA is on the minus strand). VCF-style: chr2-26194657-T-C. GRCh37 (hg19) VCF-style: chr2-26417526-T-C.
Identifiers: ClinVar variation 387142 (VCV000387142.6), dbSNP rs372878267, ClinGen allele CA1559509.